The following is an entry in ClinVar:

ClinVar aggregate classification (germline): Uncertain significance. Review status: criteria provided, multiple submitters, no conflicts (2 of 4 stars). 2 submissions from 2 submitters: Uncertain significance (2). Last evaluated 2025-05-26.

Conditions:
Inborn genetic diseases. Identifiers: MedGen C0950123, MeSH D030342.
Fibrous dysplasia of jaw (CRBM). Also called: Cherubism. Identifiers: Orphanet 184, MedGen C0008029, MONDO:0007315, OMIM 118400.

gnomAD v4.1: 1 of 1,609,906 alleles (0.000062%); highest among the groups gnomAD compares: Non-Finnish European, 0.000085%; no homozygotes.

Submissions (2):

Ambry Genetics
Classification: Uncertain significance for Inborn genetic diseases. Last evaluated: 2025-05-26. Review status: criteria provided, single submitter. Criteria: Ambry Variant Classification Scheme 2023. Collection method: clinical testing. Allele origin: germline.

Labcorp Genetics (formerly Invitae), Labcorp
Classification: Uncertain significance for Fibrous dysplasia of jaw. Last evaluated: 2022-06-29. Review status: criteria provided, single submitter. Criteria: Invitae Variant Classification Sherloc (09022015). Collection method: clinical testing. Allele origin: germline.
Comment: In summary, the available evidence is currently insufficient to determine the role of this variant in disease. Therefore, it has been classified as a Variant of Uncertain Significance. Algorithms developed to predict the effect of missense changes on protein structure and function output the following: SIFT: "Tolerated"; PolyPhen-2: "Benign"; Align-GVGD: "Class C0". The serine amino acid residue is found in multiple mammalian species, which suggests that this missense change does not adversely affect protein function. This variant has not been reported in the literature in individuals affected with SH3BP2-related conditions. This variant is present in population databases (no rsID available, gnomAD 0.0009%). This sequence change replaces proline, which is neutral and non-polar, with serine, which is neutral and polar, at codon 393 of the SH3BP2 protein (p.Pro393Ser).

NM_001122681.2(SH3BP2):c.1177C>T (p.Pro393Ser)

Gene: SH3BP2 (SH3 domain binding protein 2; plus strand). Cytogenetic location: 4p16.3.
Variant type: single nucleotide variant.
Coding change: c.1177C>T on transcript NM_001122681.2 (MANE Select); coding-DNA position 1177, C replaced by T.
Protein change: p.Pro393Ser; replaces proline 393 with serine.
Molecular consequence: missense variant.
Genome position (GRCh38, 1-based): chr4:2,830,083, C>T. VCF-style: chr4-2830083-C-T. GRCh37 (hg19) VCF-style: chr4-2831810-C-T.
Other names: c.1348C>T, p.Pro450Ser (NM_001145856.2); c.1177C>T, p.Pro393Ser (NM_003023.4); c.1261C>T, p.Pro421Ser (NM_001145855.2); short protein forms P393S, P421S, P450S.
Identifiers: ClinVar variation 2413363 (VCV002413363.7), dbSNP rs1254015154, ClinGen allele CA356057300.